The following is an entry in ClinVar:

ClinVar aggregate classification (germline): Uncertain significance. Review status: criteria provided, single submitter (1 of 4 stars). 2 submissions from 2 submitters: Uncertain significance (1). 1 of the submissions does not count toward it. Last evaluated 2025-04-11.

Conditions:
BBS1-related disorder. Also called: BBS1-related condition.
Inborn genetic diseases. Identifiers: MedGen C0950123, MeSH D030342.

Submissions (2):

Ambry Genetics
Classification: Uncertain significance for Inborn genetic diseases. Last evaluated: 2025-04-11. Review status: criteria provided, single submitter. Criteria: Ambry Variant Classification Scheme 2023. Collection method: clinical testing. Allele origin: germline.

PreventionGenetics, part of Exact Sciences
Classification: Uncertain significance for BBS1-related condition. Last evaluated: 2023-11-07. Review status: no assertion criteria provided. Collection method: clinical testing. Allele origin: germline. Not counted in ClinVar's aggregate classification.
Comment: The BBS1 c.1084G>T variant is predicted to result in the amino acid substitution p.Ala362Ser. To our knowledge, this variant has not been reported in the literature or in a large population database, indicating this variant is rare. At this time, the clinical significance of this variant is uncertain due to the absence of conclusive functional and genetic evidence.

NM_024649.5(BBS1):c.1084G>T (p.Ala362Ser)

Genes: BBS1 (Bardet-Biedl syndrome 1; plus strand), ZDHHC24 (zDHHC palmitoyltransferase 24; minus strand). Cytogenetic location: 11q13.2.
Variant type: single nucleotide variant.
Coding change: c.1084G>T on transcript NM_024649.5 (MANE Select); coding-DNA position 1084, G replaced by T.
Protein change: p.Ala362Ser; replaces alanine 362 with serine.
Molecular consequence: missense variant. On other transcripts: intron variant (1).
Genome position (GRCh38, 1-based): chr11:66,523,856, G>T. VCF-style: chr11-66523856-G-T. GRCh37 (hg19) VCF-style: chr11-66291327-G-T.
Other names: c.*22-2390C>A (NM_001348571.2); short protein forms A362S.
Identifiers: ClinVar variation 3349981 (VCV003349981.2).